The following is an entry in ClinVar:

NM_000222.3(KIT):c.1080A>C (p.Glu360Asp)

Gene: KIT (KIT proto-oncogene, receptor tyrosine kinase; plus strand). Cytogenetic location: 4q12.
Variant type: single nucleotide variant.
Coding change: c.1080A>C on transcript NM_000222.3 (MANE Select); coding-DNA position 1080, A replaced by C.
Protein change: p.Glu360Asp; replaces glutamic acid 360 with aspartic acid.
Molecular consequence: missense variant.
Genome position (GRCh38, 1-based): chr4:54,707,252, A>C. VCF-style: chr4-54707252-A-C. GRCh37 (hg19) VCF-style: chr4-55573418-A-C.
Other names: c.1080A>C, p.Glu360Asp (NM_001093772.2, NM_001385285.1, NM_001385286.1); c.1083A>C, p.Glu361Asp (NM_001385284.1, NM_001385288.1, NM_001385290.1 and 1 more transcripts); short protein forms E360D, E361D.
Identifiers: ClinVar variation 458851 (VCV000458851.15), dbSNP rs753844400, ClinGen allele CA2923361.
Genomic context (GRCh38, chr4:54,707,252, plus strand): 5'-CCCCAAACCTGAACACCAGCAGTGGATCTATATGAACAGAACCTTCACTGATAAATGGGA[A>C]GATTATCCCAAGTCTGAGAATGAAAGTAATATCAGGTAAGAAATGGACCTTGCCCTGGGG-3'
Protein context (NP_000213.1, residues 350-370): YMNRTFTDKW[Glu360Asp]DYPKSENESN

ClinVar aggregate classification (germline): Conflicting classifications of pathogenicity. Review status: criteria provided, conflicting classifications (1 of 4 stars). 4 submissions from 4 submitters: Uncertain significance (3); Benign (1). Last evaluated 2025-09-17.

Conditions:
Hereditary cancer-predisposing syndrome. Also called: Tumor predisposition; Hereditary neoplastic syndrome; Neoplastic Syndromes, Hereditary; Hereditary Cancer Syndrome. Identifiers: Orphanet 140162, MedGen C0027672, MeSH D009386, MONDO:0015356.
Gastrointestinal stromal tumor. Also called: Gastrointestinal stroma tumor; Gastrointestinal stromal tumor, somatic. Identifiers: Orphanet 44890, MedGen C0238198, MeSH D046152, MONDO:0011719, OMIM 606764, HP:0100723.

Allele frequency attached by ClinVar (database versions not stated): gnomAD below 0.00001 and 0.00001; gnomAD exomes 0.00003 and 0.00004; ExAC 0.00006.
gnomAD v4.1: 38 of 1,613,038 alleles (0.0024%); highest among the groups gnomAD compares: South Asian, 0.042%; no homozygotes.

Submissions (4):

Labcorp Genetics (formerly Invitae), Labcorp
Classification: Uncertain significance for Gastrointestinal stromal tumor. Last evaluated: 2025-09-17. Review status: criteria provided, single submitter. Criteria: Invitae Variant Classification Sherloc (09022015). Collection method: clinical testing. Allele origin: germline.
Comment: This sequence change replaces glutamic acid, which is acidic and polar, with aspartic acid, which is acidic and polar, at codon 360 of the KIT protein (p.Glu360Asp). This variant is present in population databases (rs753844400, gnomAD 0.03%). This variant has not been reported in the literature in individuals affected with KIT-related conditions. ClinVar contains an entry for this variant (Variation ID: 458851). An algorithm developed to predict the effect of missense changes on protein structure and function outputs the following: PolyPhen-2: "Benign". The aspartic acid amino acid residue is found in multiple mammalian species, which suggests that this missense change does not adversely affect protein function. In summary, the available evidence is currently insufficient to determine the role of this variant in disease. Therefore, it has been classified as a Variant of Uncertain Significance.

Ambry Genetics
Classification: Benign for Hereditary cancer-predisposing syndrome. Last evaluated: 2024-07-08. Review status: criteria provided, single submitter. Criteria: Ambry Variant Classification Scheme 2023. Collection method: clinical testing. Allele origin: germline.

GeneDx
Classification: Uncertain significance. Last evaluated: 2023-06-20. Review status: criteria provided, single submitter. Criteria: GeneDx Variant Classification Process June 2021. Collection method: clinical testing. Allele origin: germline. Affected: yes.
Comment: In silico analysis supports that this missense variant does not alter protein structure/function; Identified in a family with hearing loss in which variants in candidate genes associated with hearing loss were also observed (Zhou et al., 2020); This variant is associated with the following publications: (PMID: 26904698, 28027327, 32682410)

Revvity Omics, Revvity
Classification: Uncertain significance. Last evaluated: 2023-02-08. Review status: criteria provided, single submitter. Criteria: ACMG Guidelines, 2015. Collection method: clinical testing. Allele origin: germline.